The following is an entry in ClinVar:

ClinVar aggregate classification (germline): Uncertain significance (1 of 4 stars; one submission).

Allele frequency attached by ClinVar (database versions not stated): TOPMed below 0.00001; gnomAD 0.00001.
gnomAD v4.1: 5 of 1,611,790 alleles (0.00031%); highest among the groups gnomAD compares: Non-Finnish European, 0.00042%; no homozygotes.

Submission:

Labcorp Genetics (formerly Invitae), Labcorp
Classification: Uncertain significance. Last evaluated: 2023-12-12. Review status: criteria provided, single submitter. Criteria: Invitae Variant Classification Sherloc (09022015). Collection method: clinical testing. Allele origin: germline.
Comment: This sequence change replaces leucine, which is neutral and non-polar, with isoleucine, which is neutral and non-polar, at codon 505 of the SLC22A4 protein (p.Leu505Ile). This variant is not present in population databases (gnomAD no frequency). This variant has not been reported in the literature in individuals affected with SLC22A4-related conditions. Advanced modeling of protein sequence and biophysical properties (such as structural, functional, and spatial information, amino acid conservation, physicochemical variation, residue mobility, and thermodynamic stability) performed at Invitae indicates that this missense variant is not expected to disrupt SLC22A4 protein function with a negative predictive value of 80%. In summary, the available evidence is currently insufficient to determine the role of this variant in disease. Therefore, it has been classified as a Variant of Uncertain Significance.

NM_003059.3(SLC22A4):c.1513C>A (p.Leu505Ile)

Genes: SLC22A4 (solute carrier family 22 member 4; plus strand), MIR3936HG (MIR3936 host gene; minus strand). Cytogenetic location: 5q31.1.
Variant type: single nucleotide variant.
Coding change: c.1513C>A on transcript NM_003059.3 (MANE Select); coding-DNA position 1513, C replaced by A.
Protein change: p.Leu505Ile; replaces leucine 505 with isoleucine.
Molecular consequence: missense variant.
Genome position (GRCh38, 1-based): chr5:132,340,633, C>A. VCF-style: chr5-132340633-C-A. GRCh37 (hg19) VCF-style: chr5-131676326-C-A.
Other names: short protein forms L505I.
Identifiers: ClinVar variation 2780735 (VCV002780735.3), dbSNP rs1751187098, ClinGen allele CA360813176.